The following is an entry in ClinVar:

GRCh37/hg19 Xq21.2-22.3(chrX:84607697-104579525)x1

Genes: ARL13A (ARF like GTPase 13A; plus strand), ARMCX1 (armadillo repeat containing X-linked 1; plus strand), ARMCX2 (armadillo repeat containing X-linked 2; minus strand), ARMCX3 (armadillo repeat containing X-linked 3; plus strand), ARMCX3-AS1 (ARMCX3 antisense RNA 1) and 74 more. Cytogenetic location: Xq21.2-22.3.
Variant type: copy number loss.
Change: copy number 1 of chrX:84,607,697-104,579,525 (19.97 Mb, GRCh37 coordinates, 1-based), cytogenetic band Xq21.2-22.3.
Identifiers: ClinVar variation 3391956 (VCV003391956.1).

ClinVar aggregate classification (germline): Pathogenic (1 of 4 stars; one submission).

Submission:

Quest Diagnostics Nichols Institute San Juan Capistrano
Classification: Pathogenic. Last evaluated: 2024-06-07. Review status: criteria provided, single submitter. Criteria: ACMG/ClinGen CNV Guidelines, 2019. Collection method: clinical testing. Allele origin: unknown.
Comment: This loss involves over 75 protein-coding genes, including PCDH19 (OMIM 300460; HGNC:14270) and GLA (OMIM 300644; HGNC:4296). Loss of PCDH19 is associated with developmental and epileptic encephalopathy (DEE9; OMIM 300088; ISCA-6010), and loss of GLA is associated with Fabry disease (OMIM 301500; ISCA-20553). Xq22 deletions overlapping PLP1 or TCEAL1 have been reported in individuals with variable phenotypes (Hijazi 2022, Hijazi 2020, Yamamoto 2014). Therefore, this copy number variant (CNV) is classified as pathogenic. References: Hijazi et al., Am J Hum Genet. 2022 Dec 1;109(12):2270-2282. PMID: 36368327; Hijazi et al., Hum Mutat. 2020 Jan;41(1):150-168. PMID: 31448840; Yamamoto et al., J Hum Genet. 2014 Jun;59(6):300-6. PMID: 24646727